The following is an entry in ClinVar:

NM_000944.5(PPP3CA):c.1339+2_1339+5dup

Genes: PPP3CA (protein phosphatase 3 catalytic subunit alpha; minus strand), LOC123477793 (Sharpr-MPRA regulatory region 8198; plus strand). Cytogenetic location: 4q24.
Variant type: Duplication.
Coding change: c.1339+2_1339+5dup on transcript NM_000944.5 (MANE Select); the canonical splice donor site of the intron after coding-DNA position 1339 through 5 bases into the intron after coding-DNA position 1339, 4 bases duplicated (TAAG; older notation c.1339+2_1339+5dupTAAG).
Molecular consequence: splice donor variant.
Genome position (GRCh38, 1-based): chr4:101,032,262-101,032,265, CTTA duplicated on the plus strand (TAAG on the coding strand, the reverse complement: PPP3CA is on the minus strand); duplicating any 4 consecutive bases within chr4:101,032,262-101,032,266 gives the same sequence; the c. name uses the placement nearest the transcript's 3' end. VCF-style (leftmost placement, unchanged base first): chr4-101032261-G-GCTTA. GRCh37 (hg19) VCF-style: chr4-101953418-G-GCTTA.
Other names: c.1213+2_1213+5dup (NM_001130692.2); c.1339+2_1339+5dup (NM_001130691.2).
Identifiers: ClinVar variation 3701533 (VCV003701533.2).
Genomic context (GRCh38, chr4:101,032,261, plus strand): 5'-CAGGGCTCTAATGACACAGCTGACTGCGATGCCCCAGCACACAGTCATACCCATCAGCCT[G>GCTTA]CTTACCGCTTTGCAGGGTTTGCTTCCCTCCAGAAAGTACTCCGCTGGGGAGCATGCCAGT-3'

ClinVar aggregate classification (germline): Uncertain significance (1 of 4 stars; one submission).

Submission:

Labcorp Genetics (formerly Invitae), Labcorp
Classification: Uncertain significance. Last evaluated: 2024-10-24. Review status: criteria provided, single submitter. Criteria: Invitae Variant Classification Sherloc (09022015). Collection method: clinical testing. Allele origin: germline.
Comment: This sequence change falls in intron 12 of the PPP3CA gene. It does not directly change the encoded amino acid sequence of the PPP3CA protein. It affects a nucleotide within the consensus splice site. This variant is not present in population databases (gnomAD no frequency). This variant has not been reported in the literature in individuals affected with PPP3CA-related conditions. Variants that disrupt the consensus splice site are a relatively common cause of aberrant splicing (PMID: 17576681, 9536098). Algorithms developed to predict the effect of sequence changes on RNA splicing suggest that this variant is not likely to affect RNA splicing. In summary, the available evidence is currently insufficient to determine the role of this variant in disease. Therefore, it has been classified as a Variant of Uncertain Significance.

Literature cited by the submitters: PubMed 17576681; PubMed 9536098.